The following is an entry in ClinVar:

ClinVar aggregate classification (germline): Uncertain significance. Review status: criteria provided, multiple submitters, no conflicts (2 of 4 stars). 2 submissions from 2 submitters: Uncertain significance (2). Last evaluated 2025-02-18.

Conditions:
Inborn genetic diseases. Identifiers: MedGen C0950123, MeSH D030342.

gnomAD v4.1: 16 of 1,612,918 alleles (0.00099%); highest among the groups gnomAD compares: Admixed American, 0.0033%; no homozygotes.

Submissions (2):

Ambry Genetics
Classification: Uncertain significance for Inborn genetic diseases. Last evaluated: 2025-02-18. Review status: criteria provided, single submitter. Criteria: Ambry Variant Classification Scheme 2023. Collection method: clinical testing. Allele origin: germline.

Labcorp Genetics (formerly Invitae), Labcorp
Classification: Uncertain significance. Last evaluated: 2022-08-09. Review status: criteria provided, single submitter. Criteria: Invitae Variant Classification Sherloc (09022015). Collection method: clinical testing. Allele origin: germline.
Comment: This sequence change replaces proline, which is neutral and non-polar, with leucine, which is neutral and non-polar, at codon 77 of the RNASEH1 protein (p.Pro77Leu). This variant is present in population databases (no rsID available, gnomAD 0.006%). This variant has not been reported in the literature in individuals affected with RNASEH1-related conditions. ClinVar contains an entry for this variant (Variation ID: 1490680). Algorithms developed to predict the effect of missense changes on protein structure and function (SIFT, PolyPhen-2, Align-GVGD) all suggest that this variant is likely to be tolerated. In summary, the available evidence is currently insufficient to determine the role of this variant in disease. Therefore, it has been classified as a Variant of Uncertain Significance.

NM_002936.6(RNASEH1):c.230C>T (p.Pro77Leu)

Gene: RNASEH1 (ribonuclease H1; minus strand). Cytogenetic location: 2p25.3.
Variant type: single nucleotide variant.
Coding change: c.230C>T on transcript NM_002936.6 (MANE Select); coding-DNA position 230, C replaced by T.
Protein change: p.Pro77Leu; replaces proline 77 with leucine.
Molecular consequence: missense variant. On other transcripts: 5 prime UTR variant (1), non-coding transcript variant (6).
Genome position (GRCh38, 1-based): chr2:3,556,803, G>A on the plus strand (C>T on the coding strand, the complement: RNASEH1 is on the minus strand). VCF-style: chr2-3556803-G-A. GRCh37 (hg19) VCF-style: chr2-3604393-G-A.
Other names: c.152C>T, p.Pro51Leu (NM_001286834.3); c.-122C>T (NM_001286837.3); c.230C>T, p.Pro77Leu (NM_001378271.1, NM_001378272.1, NM_001378273.1); c.230C>T (NM_002936.3); short protein forms P77L, P51L.
Identifiers: ClinVar variation 1490680 (VCV001490680.4), dbSNP rs980124072, ClinGen allele CA41530763.